The following is an entry in ClinVar:

ClinVar aggregate classification (germline): Uncertain significance (1 of 4 stars; one submission).

Conditions:
Dilated cardiomyopathy 1KK (CMD1KK). Identifiers: Orphanet 154, Orphanet 75249, MedGen C3714995, MONDO:0014100, OMIM 615248.

Submission:

Labcorp Genetics (formerly Invitae), Labcorp
Classification: Uncertain significance for Dilated cardiomyopathy 1KK. Last evaluated: 2021-02-23. Review status: criteria provided, single submitter. Criteria: Invitae Variant Classification Sherloc (09022015). Collection method: clinical testing. Allele origin: germline.
Comment: This sequence change replaces proline with serine at codon 1201 of the MYPN protein (p.Pro1201Ser). The proline residue is highly conserved and there is a moderate physicochemical difference between proline and serine. This variant is not present in population databases (ExAC no frequency). This variant has not been reported in the literature in individuals with MYPN-related conditions. Algorithms developed to predict the effect of missense changes on protein structure and function are either unavailable or do not agree on the potential impact of this missense change (SIFT: "Deleterious"; PolyPhen-2: "Probably Damaging"; Align-GVGD: "Class C0"). In summary, the available evidence is currently insufficient to determine the role of this variant in disease. Therefore, it has been classified as a Variant of Uncertain Significance.

NM_032578.4(MYPN):c.3601C>T (p.Pro1201Ser)

Gene: MYPN (myopalladin; plus strand). Cytogenetic location: 10q21.3.
Variant type: single nucleotide variant.
Coding change: c.3601C>T on transcript NM_032578.4 (MANE Select); coding-DNA position 3601, C replaced by T.
Protein change: p.Pro1201Ser; replaces proline 1201 with serine.
Molecular consequence: missense variant. On other transcripts: non-coding transcript variant (2).
Genome position (GRCh38, 1-based): chr10:68,201,936, C>T. VCF-style: chr10-68201936-C-T. GRCh37 (hg19) VCF-style: chr10-69961693-C-T.
Other names: c.3601C>T, p.Pro1201Ser (NM_001256267.2); c.2719C>T, p.Pro907Ser (NM_001256268.2); short protein forms P907S, P1201S.
Identifiers: ClinVar variation 1404277 (VCV001404277.8), dbSNP rs2134311572, ClinGen allele CA376860184.